The following is an entry in ClinVar:

NM_000179.3(MSH6):c.6_7delinsCT (p.Arg3Ter)

Gene: MSH6 (mutS homolog 6; plus strand). Cytogenetic location: 2p16.3.
Variant type: Indel.
Coding change: c.6_7delinsCT on transcript NM_000179.3 (MANE Select); coding-DNA positions 6 to 7, GC replaced by CT.
Protein change: p.Arg3Ter; replaces arginine 3 with a stop codon.
Molecular consequence: nonsense. On other transcripts: 5 prime UTR variant (1).
Genome position (GRCh38, 1-based): chr2:47,783,239-47,783,240, GC replaced by CT. VCF-style: chr2-47783239-GC-CT. GRCh37 (hg19) VCF-style: chr2-48010378-GC-CT.
Other names: c.6_7delinsCT, p.Arg3Ter (NM_001281492.2); c.-731_-730delinsCT (NM_001281493.2); c.6_7delGCinsCT (NM_000179.2); short protein forms R3*.
Identifiers: ClinVar variation 572665 (VCV000572665.8), dbSNP rs1558644683, ClinGen allele CA891843157.

ClinVar aggregate classification (germline): Pathogenic. Review status: criteria provided, multiple submitters, no conflicts (2 of 4 stars). 2 submissions from 2 submitters: Pathogenic (2). Last evaluated 2023-08-09.

Conditions:
Hereditary nonpolyposis colorectal neoplasms. Identifiers: MedGen C0009405, MeSH D003123.
Lynch syndrome 5 (LYNCH5). Also called: Colorectal cancer, hereditary nonpolyposis, type 5; Hereditary non-polyposis colorectal cancer, type 5. Identifiers: Orphanet 144, MedGen C1833477, MONDO:0013710, OMIM 614350. Disease mechanism: loss of function.

Submissions (2):

Myriad Genetics, Inc.
Classification: Pathogenic for Lynch syndrome 5. Last evaluated: 2023-08-09. Review status: criteria provided, single submitter. Criteria: Myriad Autosomal Dominant, Autosomal Recessive and X-Linked Classification Criteria (2023). Collection method: clinical testing. Allele origin: unknown.
Comment: This variant is considered pathogenic. This variant creates a termination codon and is predicted to result in premature protein truncation.

Labcorp Genetics (formerly Invitae), Labcorp
Classification: Pathogenic for Hereditary nonpolyposis colorectal neoplasms. Last evaluated: 2021-03-23. Review status: criteria provided, single submitter. Criteria: Invitae Variant Classification Sherloc (09022015). Collection method: clinical testing. Allele origin: germline.
Comment: For these reasons, this variant has been classified as Pathogenic. This variant has not been reported in the literature in individuals with MSH6-related conditions. ClinVar contains an entry for this variant (Variation ID: 572665). The frequency data for this variant in the population databases is not available, as this variant may be reported as separate entries in the ExAC database. This sequence change creates a premature translational stop signal (p.Arg3*) in the MSH6 gene. It is expected to result in an absent or disrupted protein product. Loss-of-function variants in MSH6 are known to be pathogenic (PMID: 18269114, 24362816).

Literature cited by the submitters: PubMed 18269114 (cited by Labcorp Genetics (formerly Invitae), Labcorp); PubMed 24362816 (cited by Labcorp Genetics (formerly Invitae), Labcorp).